The following is an entry in ClinVar:

NM_001972.4(ELANE):c.577C>T (p.Arg193Trp)

Gene: ELANE (elastase, neutrophil expressed; plus strand). Cytogenetic location: 19p13.3.
Variant type: single nucleotide variant.
Coding change: c.577C>T on transcript NM_001972.4 (MANE Select); coding-DNA position 577, C replaced by T.
Protein change: p.Arg193Trp; replaces arginine 193 with tryptophan.
Molecular consequence: missense variant.
Genome position (GRCh38, 1-based): chr19:855,774, C>T. VCF-style: chr19-855774-C-T. GRCh37 (hg19) VCF-style: chr19-855774-C-T.
Other names: short protein forms R193W.
Identifiers: ClinVar variation 1304980 (VCV001304980.3), dbSNP rs201723157, ClinGen allele CA303944983.

ClinVar aggregate classification (germline): Uncertain significance. Review status: criteria provided, multiple submitters, no conflicts (2 of 4 stars). 2 submissions from 2 submitters: Uncertain significance (2). Last evaluated 2025-07-14.

Conditions:
Neutropenia, severe congenital, 1, autosomal dominant. Identifiers: MedGen C1859966, MONDO:0042490, OMIM 202700.
Cyclical neutropenia. Also called: Cyclic hematopoiesis; Cyclic Neutropenia. Identifiers: Orphanet 2686, MedGen C0221023, MONDO:0008090, OMIM 162800, HP:0040289. Disease mechanism: loss of function.

Allele frequency attached by ClinVar (database versions not stated): gnomAD exomes below 0.00001.

Submissions (2):

Labcorp Genetics (formerly Invitae), Labcorp
Classification: Uncertain significance for Neutropenia, severe congenital, 1, autosomal dominant; Cyclical neutropenia. Last evaluated: 2025-07-14. Review status: criteria provided, single submitter. Criteria: Invitae Variant Classification Sherloc (09022015). Collection method: clinical testing. Allele origin: germline.
Comment: This sequence change replaces arginine, which is basic and polar, with tryptophan, which is neutral and slightly polar, at codon 193 of the ELANE protein (p.Arg193Trp). This variant is not present in population databases (gnomAD no frequency). This variant has not been reported in the literature in individuals affected with ELANE-related conditions. ClinVar contains an entry for this variant (Variation ID: 1304980). Invitae Evidence Modeling of protein sequence and biophysical properties (such as structural, functional, and spatial information, amino acid conservation, physicochemical variation, residue mobility, and thermodynamic stability) indicates that this missense variant is expected to disrupt ELANE protein function with a positive predictive value of 95%. In summary, the available evidence is currently insufficient to determine the role of this variant in disease. Therefore, it has been classified as a Variant of Uncertain Significance.

GeneDx
Classification: Uncertain significance. Last evaluated: 2019-04-04. Review status: criteria provided, single submitter. Criteria: GeneDx Variant Classification Process June 2021. Collection method: clinical testing. Allele origin: germline. Affected: yes.
Comment: Not observed in large population cohorts (Lek et al., 2016); In silico analysis, which includes protein predictors and evolutionary conservation, supports a deleterious effect; Has not been previously published as pathogenic or benign to our knowledge